The following is an entry in ClinVar:

ClinVar aggregate classification (germline): Uncertain significance (1 of 4 stars; one submission).

Conditions:
Deficiency of aromatic-L-amino-acid decarboxylase. Also called: DDC DEFICIENCY; DOPA DECARBOXYLASE DEFICIENCY; Aromatic amino acid decarboxylase deficiency; AADC DEFICIENCY; Aromatic L-Amino Acid Decarboxylase Deficiency. Identifiers: Orphanet 35708, MedGen C1291564, MONDO:0012084, OMIM 608643.

Allele frequency attached by ClinVar (database versions not stated): TOPMed below 0.00001; ExAC 0.00002.

Submission:

Labcorp Genetics (formerly Invitae), Labcorp
Classification: Uncertain significance for Deficiency of aromatic-L-amino-acid decarboxylase. Last evaluated: 2022-08-03. Review status: criteria provided, single submitter. Criteria: Invitae Variant Classification Sherloc (09022015). Collection method: clinical testing. Allele origin: germline.
Comment: This sequence change replaces arginine, which is basic and polar, with histidine, which is basic and polar, at codon 27 of the DDC protein (p.Arg27His). This variant is present in population databases (rs781573378, gnomAD 0.004%). This variant has not been reported in the literature in individuals affected with DDC-related conditions. ClinVar contains an entry for this variant (Variation ID: 1445291). Algorithms developed to predict the effect of missense changes on protein structure and function (SIFT, PolyPhen-2, Align-GVGD) all suggest that this variant is likely to be disruptive. In summary, the available evidence is currently insufficient to determine the role of this variant in disease. Therefore, it has been classified as a Variant of Uncertain Significance.

NM_001082971.2(DDC):c.80G>A (p.Arg27His)

Gene: DDC (dopa decarboxylase; minus strand). Cytogenetic location: 7p12.1.
Variant type: single nucleotide variant.
Coding change: c.80G>A on transcript NM_001082971.2 (MANE Select); coding-DNA position 80, G replaced by A.
Protein change: p.Arg27His; replaces arginine 27 with histidine.
Molecular consequence: missense variant.
Genome position (GRCh38, 1-based): chr7:50,544,006, C>T on the plus strand (G>A on the coding strand, the complement: DDC is on the minus strand). VCF-style: chr7-50544006-C-T. GRCh37 (hg19) VCF-style: chr7-50611704-C-T.
Other names: c.80G>A, p.Arg27His (NM_000790.4, NM_001242886.2, NM_001242887.2 and 3 more transcripts); short protein forms R27H.
Identifiers: ClinVar variation 1445291 (VCV001445291.3), dbSNP rs781573378, ClinGen allele CA4262509.